The following is an entry in ClinVar:

ClinVar aggregate classification (germline): Uncertain significance (1 of 4 stars; one submission).

Conditions:
Familial cancer of breast. Also called: BREAST CANCER, FAMILIAL; Hereditary breast cancer; hereditary breast carcinoma. Identifiers: Orphanet 227535, MedGen C0346153, MONDO:0016419, OMIM 114480. Disease mechanism: loss of function.
Fanconi anemia complementation group J. Also called: BRIP1-Related Fanconi Anemia. Identifiers: Orphanet 84, MedGen C1836860, MONDO:0012187, OMIM 609054.

Allele frequency attached by ClinVar (database versions not stated): gnomAD exomes below 0.00001.
gnomAD v4.1: 1 of 1,612,570 alleles (0.000062%); highest among the groups gnomAD compares: Non-Finnish European, 0.000085%; no homozygotes.

Submission:

Labcorp Genetics (formerly Invitae), Labcorp
Classification: Uncertain significance for Familial cancer of breast; Fanconi anemia complementation group J. Last evaluated: 2022-08-12. Review status: criteria provided, single submitter. Criteria: Invitae Variant Classification Sherloc (09022015). Collection method: clinical testing. Allele origin: germline.
Comment: This sequence change replaces aspartic acid, which is acidic and polar, with asparagine, which is neutral and polar, at codon 149 of the BRIP1 protein (p.Asp149Asn). This variant is not present in population databases (gnomAD no frequency). This variant has not been reported in the literature in individuals affected with BRIP1-related conditions. Algorithms developed to predict the effect of missense changes on protein structure and function output the following: SIFT: "Tolerated"; PolyPhen-2: "Benign"; Align-GVGD: "Class C0". The asparagine amino acid residue is found in multiple mammalian species, which suggests that this missense change does not adversely affect protein function. In summary, the available evidence is currently insufficient to determine the role of this variant in disease. Therefore, it has been classified as a Variant of Uncertain Significance.

NM_032043.3(BRIP1):c.445G>A (p.Asp149Asn)

Gene: BRIP1 (BRCA1 interacting DNA helicase 1; minus strand). Cytogenetic location: 17q23.2.
Variant type: single nucleotide variant.
Coding change: c.445G>A on transcript NM_032043.3 (MANE Select); coding-DNA position 445, G replaced by A.
Protein change: p.Asp149Asn; replaces aspartic acid 149 with asparagine.
Molecular consequence: missense variant.
Genome position (GRCh38, 1-based): chr17:61,849,191, C>T on the plus strand (G>A on the coding strand, the complement: BRIP1 is on the minus strand). VCF-style: chr17-61849191-C-T. GRCh37 (hg19) VCF-style: chr17-59926552-C-T.
Other names: short protein forms D149N.
Identifiers: ClinVar variation 1716261 (VCV001716261.5), dbSNP rs2078779238, ClinGen allele CA400484482.